The following is an entry in ClinVar:

ClinVar aggregate classification (germline): Uncertain significance (1 of 4 stars; one submission).

Conditions:
Baller-Gerold syndrome (BGS). Also called: CRANIOSYNOSTOSIS WITH RADIAL DEFECTS. Identifiers: Orphanet 1225, MedGen C0265308, MONDO:0009039, OMIM 218600.

Submission:

Labcorp Genetics (formerly Invitae), Labcorp
Classification: Uncertain significance for Baller-Gerold syndrome. Last evaluated: 2023-10-27. Review status: criteria provided, single submitter. Criteria: Invitae Variant Classification Sherloc (09022015). Collection method: clinical testing. Allele origin: germline.
Comment: This sequence change replaces arginine, which is basic and polar, with glycine, which is neutral and non-polar, at codon 807 of the RECQL4 protein (p.Arg807Gly). Information on the frequency of this variant in the gnomAD database is not available, as this variant may be reported differently in the database. This variant has not been reported in the literature in individuals affected with RECQL4-related conditions. ClinVar contains an entry for this variant (Variation ID: 960750). Experimental studies and prediction algorithms are not available or were not evaluated, and the functional significance of this variant is currently unknown. In summary, the available evidence is currently insufficient to determine the role of this variant in disease. Therefore, it has been classified as a Variant of Uncertain Significance.

NM_004260.4(RECQL4):c.2418_2419delinsAG (p.Arg807Gly)

Gene: RECQL4 (RecQ like helicase 4; minus strand). Cytogenetic location: 8q24.3.
Variant type: Indel.
Coding change: c.2418_2419delinsAG on transcript NM_004260.4 (MANE Select); coding-DNA positions 2418 to 2419, GC replaced by AG.
Protein change: p.Arg807Gly; replaces arginine 807 with glycine.
Molecular consequence: missense variant.
Genome position (GRCh38, 1-based): chr8:144,513,262-144,513,263, GC replaced by CT on the plus strand (GC replaced by AG on the coding strand, the reverse complement: RECQL4 is on the minus strand). VCF-style: chr8-144513262-GC-CT. GRCh37 (hg19) VCF-style: chr8-145738645-GC-CT.
Other names: short protein forms R807G.
Identifiers: ClinVar variation 960750 (VCV000960750.5), dbSNP rs1827602475, ClinGen allele CA1139660834.
Genomic context (GRCh38, chr8:144,513,262, plus strand): 5'-GGGGGGGGGTGCCAACCTGGGGCTGCAGGAAGAGGTGGCAGTGGGCAGGCTGCCCGTCAC[GC>CT]CCGGCCCGGCCCACGGCCTGCACGTAGCTCTCGAAGCTTGGGGGCAGCCCCAGATGCAGC-3'
Protein context (NP_004251.4, residues 797-817): SYVQAVGRAG[Arg807Gly]DGQPAHCHLF